The following is an entry in ClinVar:

NM_016247.4(IMPG2):c.3688G>T (p.Ala1230Ser)

Gene: IMPG2 (interphotoreceptor matrix proteoglycan 2; minus strand). Cytogenetic location: 3q12.3.
Variant type: single nucleotide variant.
Coding change: c.3688G>T on transcript NM_016247.4 (MANE Select); coding-DNA position 3688, G replaced by T.
Protein change: p.Ala1230Ser; replaces alanine 1230 with serine.
Molecular consequence: missense variant.
Genome position (GRCh38, 1-based): chr3:101,228,822, C>A on the plus strand (G>T on the coding strand, the complement: IMPG2 is on the minus strand). VCF-style: chr3-101228822-C-A. GRCh37 (hg19) VCF-style: chr3-100947666-C-A.
Other names: c.3688G>T (NM_016247.3); short protein forms A1230S.
Identifiers: ClinVar variation 1041634 (VCV001041634.8), dbSNP rs191865207, ClinGen allele CA2518681.

ClinVar aggregate classification (germline): Uncertain significance. Review status: criteria provided, multiple submitters, no conflicts (2 of 4 stars). 4 submissions from 4 submitters: Uncertain significance (4). Last evaluated 2025-12-29.

Conditions:
Inborn genetic diseases. Identifiers: MedGen C0950123, MeSH D030342.
IMPG2-related disorder. Also called: IMPG2-related condition.

Allele frequency attached by ClinVar (database versions not stated): ExAC 0.00005; gnomAD 0.00006; TOPMed 0.00006; 1000 Genomes Project 30x 0.00016; 1000 Genomes Project 0.00020.
gnomAD v4.1: 150 of 1,613,968 alleles (0.0093%); highest among the groups gnomAD compares: Admixed American, 0.02%; no homozygotes.

Submissions (4):

PreventionGenetics, part of Exact Sciences
Classification: Uncertain significance for IMPG2-related condition. Last evaluated: 2025-12-29. Review status: criteria provided, single submitter. Criteria: ACMG Guidelines, 2015. Collection method: clinical testing. Allele origin: germline.
Comment: The IMPG2 c.3688G>T variant is predicted to result in the amino acid substitution p.Ala1230Ser. This variant has been reported in an individual with keratoconus (González-Atienza et al. 2023. PubMed ID: 37895187). This variant is reported in 0.026% of alleles in individuals of Latino descent in gnomAD. At this time, the clinical significance of this variant is uncertain due to the absence of conclusive functional and genetic evidence.

Labcorp Genetics (formerly Invitae), Labcorp
Classification: Uncertain significance. Last evaluated: 2025-09-15. Review status: criteria provided, single submitter. Criteria: Invitae Variant Classification Sherloc (09022015). Collection method: clinical testing. Allele origin: germline.
Comment: This sequence change replaces alanine, which is neutral and non-polar, with serine, which is neutral and polar, at codon 1230 of the IMPG2 protein (p.Ala1230Ser). This variant is present in population databases (rs191865207, gnomAD 0.02%). This missense change has been observed in individual(s) with keratocuonus (PMID: 37895187). ClinVar contains an entry for this variant (Variation ID: 1041634). Invitae Evidence Modeling of protein sequence and biophysical properties (such as structural, functional, and spatial information, amino acid conservation, physicochemical variation, residue mobility, and thermodynamic stability) indicates that this missense variant is expected to disrupt IMPG2 protein function with a positive predictive value of 80%. Algorithms developed to predict the effect of sequence changes on RNA splicing suggest that this variant may disrupt the consensus splice site. In summary, the available evidence is currently insufficient to determine the role of this variant in disease. Therefore, it has been classified as a Variant of Uncertain Significance.

Blueprint Genetics
Classification: Uncertain significance. Last evaluated: 2024-09-16. Review status: criteria provided, single submitter. Criteria: ACMG Guidelines, 2015. Collection method: clinical testing. Allele origin: germline.

Ambry Genetics
Classification: Uncertain significance for Inborn genetic diseases. Last evaluated: 2022-06-09. Review status: criteria provided, single submitter. Criteria: Ambry Variant Classification Scheme 2023. Collection method: clinical testing. Allele origin: germline.

Literature cited by the submitters: PubMed 37895187 (cited by Labcorp Genetics (formerly Invitae), Labcorp).